The following is an entry in ClinVar:

ClinVar aggregate classification (germline): Likely benign (1 of 4 stars; one submission).

Allele frequency attached by ClinVar (database versions not stated): gnomAD 0.00001; TOPMed 0.00001; 1000 Genomes Project 30x 0.00021.
gnomAD v4.1: 6 of 1,209,309 alleles (0.0005%); highest among the groups gnomAD compares: Non-Finnish European, 0.00056%; no homozygotes.

Submission:

CeGaT Center for Human Genetics Tuebingen
Classification: Likely benign. Last evaluated: 2023-02-01. Review status: criteria provided, single submitter. Criteria: CeGaT Center For Human Genetics Tuebingen Variant Classification Criteria Version 2. Collection method: clinical testing. Allele origin: germline. Affected: yes. Observed: 1 variant allele.
Comment: HDAC8: BP4, BP7

NM_018486.3(HDAC8):c.437+105G>T

Gene: HDAC8 (histone deacetylase 8; minus strand). Cytogenetic location: Xq13.1.
Variant type: single nucleotide variant.
Coding change: c.437+105G>T on transcript NM_018486.3 (MANE Select); 105 bases into the intron after coding-DNA position 437, G replaced by T.
Molecular consequence: intron variant. On other transcripts: 3 prime UTR variant (1), synonymous variant (1).
Genome position (GRCh38, 1-based): chrX:72,567,784, C>A on the plus strand (G>T on the coding strand, the complement: HDAC8 is on the minus strand). VCF-style: chrX-72567784-C-A. GRCh37 (hg19) VCF-style: chrX-71787634-C-A.
Other names: c.*101G>T (NM_001166420.2); c.450G>T, p.Val150= (NM_001166422.2); c.164+4273G>T (NM_001166418.2, NM_001410728.1, NM_001166448.2); c.437+105G>T (NM_001410727.1, NM_001410725.1, NM_001410729.1 and 2 more transcripts).
Identifiers: ClinVar variation 2660914 (VCV002660914.24), dbSNP rs1556137844, ClinGen allele CA642490445.